The following is an entry in ClinVar:

NM_006736.6(DNAJB2):c.717C>A (p.Thr239=)

Gene: DNAJB2 (DnaJ heat shock protein family (Hsp40) member B2; plus strand). Cytogenetic location: 2q35.
Variant type: single nucleotide variant.
Coding change: c.717C>A on transcript NM_006736.6 (MANE Select); coding-DNA position 717, C replaced by A.
Protein change: p.Thr239=; no amino-acid change (threonine 239 retained).
Molecular consequence: synonymous variant.
Genome position (GRCh38, 1-based): chr2:219,284,729, C>A. VCF-style: chr2-219284729-C-A. GRCh37 (hg19) VCF-style: chr2-220149451-C-A.
Other names: c.717C>A (NM_006736.5); c.717C>A, p.Thr239= (NM_001039550.2).
Identifiers: ClinVar variation 508517 (VCV000508517.16), dbSNP rs146703240, ClinGen allele CA2123089.

ClinVar aggregate classification (germline): Likely benign. Review status: criteria provided, multiple submitters, no conflicts (2 of 4 stars). 4 submissions from 4 submitters: Likely benign (4). Last evaluated 2025-05-17.

Conditions:
Inborn genetic diseases. Identifiers: MedGen C0950123, MeSH D030342.
Neuronopathy, distal hereditary motor, autosomal recessive 5. Also called: Young adult-onset distal hereditary motor neuropathy; Spinal muscular atrophy, distal, autosomal recessive, 5; NEUROPATHY, DISTAL HEREDITARY MOTOR, AUTOSOMAL RECESSIVE 5. Identifiers: Orphanet 314485, Orphanet 443950, MedGen C4749918, MONDO:0013947, OMIM 614881.
DNAJB2-related disorder. Also called: DNAJB2-related condition.

Allele frequency attached by ClinVar (database versions not stated): gnomAD exomes 0.00013; ExAC 0.00020; 1000 Genomes Project 30x 0.00031; 1000 Genomes Project 0.00040; TOPMed 0.00049; gnomAD 0.00067; ESP Exome Variant Server 0.00108.
gnomAD v4.1: 147 of 1,613,484 alleles (0.0091%); highest among the groups gnomAD compares: African/African-American, 0.19%; no homozygotes.

Submissions (4):

Labcorp Genetics (formerly Invitae), Labcorp
Classification: Likely benign for Neuronopathy, distal hereditary motor, autosomal recessive 5. Last evaluated: 2025-05-17. Review status: criteria provided, single submitter. Criteria: Invitae Variant Classification Sherloc (09022015). Collection method: clinical testing. Allele origin: germline.

PreventionGenetics, part of Exact Sciences
Classification: Likely benign for DNAJB2-related condition. Last evaluated: 2025-05-14. Review status: criteria provided, single submitter. Criteria: ACMG Guidelines, 2015. Collection method: clinical testing. Allele origin: germline.
Comment: This variant is classified as likely benign based on ACMG/AMP sequence variant interpretation guidelines (Richards et al. 2015 PMID: 25741868, with internal and published modifications).

GeneDx
Classification: Likely benign. Last evaluated: 2020-06-23. Review status: criteria provided, single submitter. Criteria: GeneDx Variant Classification Process June 2021. Collection method: clinical testing. Allele origin: germline. Affected: yes.

Ambry Genetics
Classification: Likely benign for Inborn genetic diseases. Last evaluated: 2019-07-11. Review status: criteria provided, single submitter. Criteria: Ambry Variant Classification Scheme 2023. Collection method: clinical testing. Allele origin: germline.